The following is an entry in ClinVar:

ClinVar aggregate classification (germline): Uncertain significance. Review status: criteria provided, multiple submitters, no conflicts (2 of 4 stars). 2 submissions from 2 submitters: Uncertain significance (2). Last evaluated 2025-06-10.

Conditions:
Dilated cardiomyopathy 1G (CMD1G). Identifiers: Orphanet 154, MedGen C1858763, MONDO:0011400, OMIM 604145.

Submissions (2):

GeneDx
Classification: Uncertain significance. Last evaluated: 2025-06-10. Review status: criteria provided, single submitter. Criteria: GeneDx Variant Classification Process June 2021. Collection method: clinical testing. Allele origin: germline. Affected: yes.
Comment: Not observed at significant frequency in large population cohorts (gnomAD); Has not been previously published as pathogenic or benign to our knowledge; In silico analysis suggests this variant may impact gene splicing. In the absence of RNA/functional studies, the actual effect of this sequence change is unknown.

Baylor Genetics
Classification: Uncertain significance for Dilated cardiomyopathy 1G. Last evaluated: 2020-06-11. Review status: criteria provided, single submitter. Criteria: ACMG Guidelines, 2015. Collection method: clinical testing. Allele origin: unknown. Affected: yes.
Comment: This variant was determined to be of uncertain significance according to ACMG Guidelines, 2015 [PMID:25741868].

NM_001267550.2(TTN):c.32554+3A>G

Gene: TTN (titin; minus strand). Cytogenetic location: 2q31.2.
Variant type: single nucleotide variant.
Coding change: c.32554+3A>G on transcript NM_001267550.2 (MANE Select); 3 bases into the intron after coding-DNA position 32554, A replaced by G.
Molecular consequence: intron variant.
Genome position (GRCh38, 1-based): chr2:178,684,903, T>C on the plus strand (A>G on the coding strand, the complement: TTN is on the minus strand). VCF-style: chr2-178684903-T-C. GRCh37 (hg19) VCF-style: chr2-179549630-T-C.
Other names: c.13283-42586A>G (NM_003319.4); c.13859-42586A>G (NM_133437.4); c.13658-42586A>G (NM_133432.3); c.28822+3A>G (NM_133378.4); c.31603+3A>G (NM_001256850.1).
Identifiers: ClinVar variation 1031086 (VCV001031086.2), dbSNP rs2070438723, ClinGen allele CA1310578241.